The following is an entry in ClinVar:

NM_004329.3(BMPR1A):c.86T>C (p.Met29Thr)

Gene: BMPR1A (bone morphogenetic protein receptor type 1A; plus strand). Cytogenetic location: 10q23.2.
Variant type: single nucleotide variant.
Coding change: c.86T>C on transcript NM_004329.3 (MANE Select); coding-DNA position 86, T replaced by C.
Protein change: p.Met29Thr; replaces methionine 29 with threonine.
Molecular consequence: missense variant.
Genome position (GRCh38, 1-based): chr10:86,890,080, T>C. VCF-style: chr10-86890080-T-C. GRCh37 (hg19) VCF-style: chr10-88649837-T-C.
Other names: c.86T>C (NM_004329.2); short protein forms M29T.
Identifiers: ClinVar variation 1491452 (VCV001491452.9), dbSNP rs2133394352, ClinGen allele CA377446290.

ClinVar aggregate classification (germline): Uncertain significance. Review status: criteria provided, multiple submitters, no conflicts (2 of 4 stars). 2 submissions from 2 submitters: Uncertain significance (2). Last evaluated 2026-02-18.

Conditions:
Hereditary cancer-predisposing syndrome. Also called: Neoplastic Syndromes, Hereditary; Tumor predisposition; Hereditary Cancer Syndrome; Hereditary neoplastic syndrome. Identifiers: Orphanet 140162, MedGen C0027672, MeSH D009386, MONDO:0015356.
Juvenile polyposis syndrome (JPS). Identifiers: Orphanet 2929, MedGen C0345893, MONDO:0017380, OMIM 174900.

Submissions (2):

Ambry Genetics
Classification: Uncertain significance for Hereditary cancer-predisposing syndrome. Last evaluated: 2026-02-18. Review status: criteria provided, single submitter. Criteria: Ambry Variant Classification Scheme 2023. Collection method: clinical testing. Allele origin: germline.

Labcorp Genetics (formerly Invitae), Labcorp
Classification: Uncertain significance for Juvenile polyposis syndrome. Last evaluated: 2021-03-10. Review status: criteria provided, single submitter. Criteria: Invitae Variant Classification Sherloc (09022015). Collection method: clinical testing. Allele origin: germline.
Comment: This sequence change replaces methionine with threonine at codon 29 of the BMPR1A protein (p.Met29Thr). The methionine residue is moderately conserved and there is a moderate physicochemical difference between methionine and threonine. This variant is not present in population databases (ExAC no frequency). This variant has not been reported in the literature in individuals with BMPR1A-related conditions. Advanced modeling of protein sequence and biophysical properties (such as structural, functional, and spatial information, amino acid conservation, physicochemical variation, residue mobility, and thermodynamic stability) performed at Invitae indicates that this missense variant is not expected to disrupt BMPR1A protein function. In summary, the available evidence is currently insufficient to determine the role of this variant in disease. Therefore, it has been classified as a Variant of Uncertain Significance.